The following is an entry in ClinVar:

ClinVar aggregate classification (germline): Uncertain significance (1 of 4 stars; one submission).

Conditions:
Werner syndrome (WRN). Identifiers: Orphanet 902, MedGen C0043119, MONDO:0010196, OMIM 277700.

Submission:

Labcorp Genetics (formerly Invitae), Labcorp
Classification: Uncertain significance for Werner syndrome. Last evaluated: 2022-05-21. Review status: criteria provided, single submitter. Criteria: Invitae Variant Classification Sherloc (09022015). Collection method: clinical testing. Allele origin: germline.
Comment: This variant has not been reported in the literature in individuals affected with WRN-related conditions. In summary, the available evidence is currently insufficient to determine the role of this variant in disease. Therefore, it has been classified as a Variant of Uncertain Significance. Algorithms developed to predict the effect of missense changes on protein structure and function output the following: SIFT: "Not Available"; PolyPhen-2: "Benign"; Align-GVGD: "Not Available". The glycine amino acid residue is found in multiple mammalian species, which suggests that this missense change does not adversely affect protein function. This variant is not present in population databases (gnomAD no frequency). This sequence change replaces glutamic acid, which is acidic and polar, with glycine, which is neutral and non-polar, at codon 513 of the WRN protein (p.Glu513Gly).

NM_000553.6(WRN):c.1538A>G (p.Glu513Gly)

Gene: WRN (WRN RecQ like helicase; plus strand). Cytogenetic location: 8p12.
Variant type: single nucleotide variant.
Coding change: c.1538A>G on transcript NM_000553.6 (MANE Select); coding-DNA position 1538, A replaced by G.
Protein change: p.Glu513Gly; replaces glutamic acid 513 with glycine.
Molecular consequence: missense variant.
Genome position (GRCh38, 1-based): chr8:31,087,882, A>G. VCF-style: chr8-31087882-A-G. GRCh37 (hg19) VCF-style: chr8-30945398-A-G.
Other names: short protein forms E513G.
Identifiers: ClinVar variation 2150423 (VCV002150423.4), dbSNP rs2130157028, ClinGen allele CA370924700.
Genomic context (GRCh38, chr8:31,087,882, plus strand): 5'-AATGCTTAAAAATGGAAAGAAATCTGGGTCTTCCTACTAAAGAAGAAGAAGAAGATGATG[A>G]AAATGAAGCTAATGAAGGGGAAGAAGATGATGATAAGGGTAAGCACTGAAGTATGTTTGA-3'
Protein context (NP_000544.2, residues 503-523): LPTKEEEEDD[Glu513Gly]NEANEGEEDD